The following is an entry in ClinVar:

NM_133510.4(RAD51B):c.329C>A (p.Pro110Gln)

Gene: RAD51B (RAD51 paralog B; plus strand). Cytogenetic location: 14q24.1.
Variant type: single nucleotide variant.
Coding change: c.329C>A on transcript NM_133510.4 (MANE Select); coding-DNA position 329, C replaced by A.
Protein change: p.Pro110Gln; replaces proline 110 with glutamine.
Molecular consequence: missense variant. On other transcripts: 5 prime UTR variant (1).
Genome position (GRCh38, 1-based): chr14:67,865,016, C>A. VCF-style: chr14-67865016-C-A. GRCh37 (hg19) VCF-style: chr14-68331733-C-A.
Other names: c.329C>A, p.Pro110Gln (NM_001321809.2, NM_001321810.2, NM_001321812.1 and 6 more transcripts); c.215C>A, p.Pro72Gln (NM_001321815.1); c.-29C>A (NM_001321817.2); short protein forms P110Q, P72Q.
Identifiers: ClinVar variation 4149821 (VCV004149821.1).

ClinVar aggregate classification (germline): Uncertain significance (1 of 4 stars; one submission).

Submission:

Ambry Genetics
Classification: Uncertain significance. Last evaluated: 2025-07-07. Review status: criteria provided, single submitter. Criteria: Ambry Variant Classification Scheme 2023. Collection method: clinical testing. Allele origin: germline.
Comment: The p.P110Q variant (also known as c.329C>A), located in coding exon 4 of the RAD51B gene, results from a C to A substitution at nucleotide position 329. The proline at codon 110 is replaced by glutamine, an amino acid with similar properties. This amino acid position is conserved. In addition, this alteration is predicted to be tolerated by in silico analysis. Based on the available evidence, the clinical significance of this variant remains unclear.